The following is an entry in ClinVar:

ClinVar aggregate classification (germline): Uncertain significance. Review status: criteria provided, multiple submitters, no conflicts (2 of 4 stars). 2 submissions from 2 submitters: Uncertain significance (2). Last evaluated 2025-09-04.

Conditions:
Inborn genetic diseases. Identifiers: MedGen C0950123, MeSH D030342.
Orofaciodigital syndrome V. Also called: OFDS V; ORAL-FACIAL-DIGITAL SYNDROME, TYPE V; OROFACIODIGITAL SYNDROME, THURSTON TYPE; THURSTON SYNDROME. Identifiers: Orphanet 2919, MedGen C1868118, MONDO:0008267, OMIM 174300.

Allele frequency attached by ClinVar (database versions not stated): gnomAD 0.00001; gnomAD exomes 0.00002 and 0.00005; ExAC 0.00003; TOPMed 0.00004.
gnomAD v4.1: 15 of 1,611,078 alleles (0.00093%); highest among the groups gnomAD compares: Admixed American, 0.025%; no homozygotes.

Submissions (2):

Ambry Genetics
Classification: Uncertain significance for Inborn genetic diseases. Last evaluated: 2025-09-04. Review status: criteria provided, single submitter. Criteria: Ambry Variant Classification Scheme 2023. Collection method: clinical testing. Allele origin: germline.

Baylor Genetics
Classification: Uncertain significance for Orofaciodigital syndrome V. Last evaluated: 2018-08-16. Review status: criteria provided, single submitter. Criteria: ACMG Guidelines, 2015. Collection method: clinical testing. Allele origin: maternal. Affected: yes.
Comment: This variant was determined to be of uncertain significance according to ACMG Guidelines, 2015 [PMID:25741868].

NM_001031725.6(DDX59):c.27C>G (p.Ile9Met)

Gene: DDX59 (DEAD-box helicase 59; minus strand). Cytogenetic location: 1q32.1.
Variant type: single nucleotide variant.
Coding change: c.27C>G on transcript NM_001031725.6 (MANE Select); coding-DNA position 27, C replaced by G.
Protein change: p.Ile9Met; replaces isoleucine 9 with methionine.
Molecular consequence: missense variant.
Genome position (GRCh38, 1-based): chr1:200,666,714, G>C on the plus strand (C>G on the coding strand, the complement: DDX59 is on the minus strand). VCF-style: chr1-200666714-G-C. GRCh37 (hg19) VCF-style: chr1-200635842-G-C.
Other names: c.27C>G, p.Ile9Met (NM_001320181.2, NM_001320182.1, NM_001349799.3 and 5 more transcripts); short protein forms I9M.
Identifiers: ClinVar variation 1033220 (VCV001033220.4), dbSNP rs766385057, ClinGen allele CA1318550.
Genomic context (GRCh38, chr1:200,666,714, plus strand): 5'-TGGGTCTGGTTTAATTATCTTAGCCACACAACTTTTGCCATCATCATTAGCATTCCTCTT[G>C]ATTTTTAGAGATCTTGGAACAAACATCCTTCAATATTCTGTTAAGGAAATTATATAATGA-3'
Protein context (NP_001026895.2, residues 1-19): MFVPRSLK[Ile9Met]KRNANDDGKS